The following is an entry in ClinVar:

NM_152419.3(HGSNAT):c.86C>A (p.Ser29Ter)

Genes: HGSNAT (heparan-alpha-glucosaminide N-acetyltransferase; plus strand), LOC130000316 (ATAC-STARR-seq lymphoblastoid silent region 19164; plus strand). Cytogenetic location: 8p11.21.
Variant type: single nucleotide variant.
Coding change: c.86C>A on transcript NM_152419.3 (MANE Select); coding-DNA position 86, C replaced by A.
Protein change: p.Ser29Ter; replaces serine 29 with a stop codon.
Molecular consequence: nonsense. On other transcripts: 5 prime UTR variant (1).
Genome position (GRCh38, 1-based): chr8:43,140,582, C>A. VCF-style: chr8-43140582-C-A. GRCh37 (hg19) VCF-style: chr8-42995725-C-A.
Other names: c.86C>A, p.Ser29Ter (NM_001363227.2, NM_001363228.2); c.-748C>A (NM_001363229.2); short protein forms S29*.
Identifiers: ClinVar variation 2942731 (VCV002942731.3), dbSNP rs2486808089, ClinGen allele CA371124648.

ClinVar aggregate classification (germline): Pathogenic (1 of 4 stars; one submission).

Conditions:
Retinitis pigmentosa 73 (RP73). Identifiers: Orphanet 791, MedGen C4225287, MONDO:0014687, OMIM 616544.
Mucopolysaccharidosis, MPS-III-C (MPS3C). Also called: SANFILIPPO SYNDROME C; MPS III C; Mucopolysaccharidosis type IIIC (Sanfilippo C); MUCOPOLYSACCHARIDOSIS, TYPE IIIC; mucopolysaccharidosis type 3C; MPS IIIC (Sanfilippo Syndrome Type C). Identifiers: Orphanet 581, Orphanet 79271, MedGen C0086649, MONDO:0009657, OMIM 252930.

Submission:

Labcorp Genetics (formerly Invitae), Labcorp
Classification: Pathogenic for Retinitis pigmentosa 73; Mucopolysaccharidosis, MPS-III-C. Last evaluated: 2023-11-06. Review status: criteria provided, single submitter. Criteria: Invitae Variant Classification Sherloc (09022015). Collection method: clinical testing. Allele origin: germline.
Comment: This sequence change creates a premature translational stop signal (p.Ser29*) in the HGSNAT gene. It is expected to result in an absent or disrupted protein product. Loss-of-function variants in HGSNAT are known to be pathogenic (PMID: 17033958, 19479962). This variant is not present in population databases (gnomAD no frequency). This variant has not been reported in the literature in individuals affected with HGSNAT-related conditions. For these reasons, this variant has been classified as Pathogenic.

Literature cited by the submitters: PubMed 17033958; PubMed 19479962.